The following is an entry in ClinVar:

ClinVar aggregate classification (germline): Uncertain significance. Review status: criteria provided, multiple submitters, no conflicts (2 of 4 stars). 2 submissions from 2 submitters: Uncertain significance (2). Last evaluated 2025-08-27.

Allele frequency attached by ClinVar (database versions not stated): gnomAD exomes 0.00005; ExAC 0.00007; gnomAD 0.00019; ESP Exome Variant Server 0.00023; TOPMed 0.00025; 1000 Genomes Project 0.00040; 1000 Genomes Project 30x 0.00047.
gnomAD v4.1: 45 of 1,613,896 alleles (0.0028%); highest among the groups gnomAD compares: African/African-American, 0.045%; 1 homozygote.

Submissions (2):

Ambry Genetics
Classification: Uncertain significance. Last evaluated: 2025-08-27. Review status: criteria provided, single submitter. Criteria: Ambry Variant Classification Scheme 2023. Collection method: clinical testing. Allele origin: germline.

Labcorp Genetics (formerly Invitae), Labcorp
Classification: Uncertain significance. Last evaluated: 2021-12-02. Review status: criteria provided, single submitter. Criteria: Invitae Variant Classification Sherloc (09022015). Collection method: clinical testing. Allele origin: germline.
Comment: This sequence change replaces alanine, which is neutral and non-polar, with threonine, which is neutral and polar, at codon 432 of the GLYCTK protein (p.Ala432Thr). This variant is present in population databases (rs139942189, gnomAD 0.03%). This variant has not been reported in the literature in individuals affected with GLYCTK-related conditions. Algorithms developed to predict the effect of missense changes on protein structure and function output the following: SIFT: "Tolerated"; PolyPhen-2: "Benign"; Align-GVGD: "Class C0". The threonine amino acid residue is found in multiple mammalian species, which suggests that this missense change does not adversely affect protein function. In summary, the available evidence is currently insufficient to determine the role of this variant in disease. Therefore, it has been classified as a Variant of Uncertain Significance.

NM_145262.4(GLYCTK):c.1294G>A (p.Ala432Thr)

Gene: GLYCTK (glycerate kinase; plus strand). Cytogenetic location: 3p21.2.
Variant type: single nucleotide variant.
Coding change: c.1294G>A on transcript NM_145262.4 (MANE Select); coding-DNA position 1294, G replaced by A.
Protein change: p.Ala432Thr; replaces alanine 432 with threonine.
Molecular consequence: missense variant. On other transcripts: 3 prime UTR variant (1), non-coding transcript variant (2).
Genome position (GRCh38, 1-based): chr3:52,292,848, G>A. VCF-style: chr3-52292848-G-A. GRCh37 (hg19) VCF-style: chr3-52326864-G-A.
Other names: c.*413G>A (NM_001144951.2); c.1294G>A (NM_145262.3); short protein forms A432T.
Identifiers: ClinVar variation 1351795 (VCV001351795.4), dbSNP rs139942189, ClinGen allele CA2432292.